The following is an entry in ClinVar:

NM_004247.4(EFTUD2):c.205G>T (p.Ala69Ser)

Gene: EFTUD2 (elongation factor Tu GTP binding domain containing 2; minus strand). Cytogenetic location: 17q21.31.
Variant type: single nucleotide variant.
Coding change: c.205G>T on transcript NM_004247.4 (MANE Select); coding-DNA position 205, G replaced by T.
Protein change: p.Ala69Ser; replaces alanine 69 with serine.
Molecular consequence: missense variant.
Genome position (GRCh38, 1-based): chr17:44,886,651, C>A on the plus strand (G>T on the coding strand, the complement: EFTUD2 is on the minus strand). VCF-style: chr17-44886651-C-A. GRCh37 (hg19) VCF-style: chr17-42964019-C-A.
Other names: c.100G>T, p.Ala34Ser (NM_001142605.2); c.205G>T, p.Ala69Ser (NM_001258353.2, NM_001258354.2); short protein forms A34S, A69S.
Identifiers: ClinVar variation 2910588 (VCV002910588.3), dbSNP rs2051178523, ClinGen allele CA399826438.

ClinVar aggregate classification (germline): Uncertain significance (1 of 4 stars; one submission).

Allele frequency attached by ClinVar (database versions not stated): TOPMed 0.00001.
gnomAD v4.1: 8 of 1,614,184 alleles (0.0005%); highest among the groups gnomAD compares: Middle Eastern, 0.099%; no homozygotes.

Submission:

Labcorp Genetics (formerly Invitae), Labcorp
Classification: Uncertain significance. Last evaluated: 2022-10-30. Review status: criteria provided, single submitter. Criteria: Invitae Variant Classification Sherloc (09022015). Collection method: clinical testing. Allele origin: germline.
Comment: In summary, the available evidence is currently insufficient to determine the role of this variant in disease. Therefore, it has been classified as a Variant of Uncertain Significance. Algorithms developed to predict the effect of missense changes on protein structure and function are either unavailable or do not agree on the potential impact of this missense change (SIFT: "Deleterious"; PolyPhen-2: "Benign"; Align-GVGD: "Class C0"). This variant has not been reported in the literature in individuals affected with EFTUD2-related conditions. This variant is not present in population databases (gnomAD no frequency). This sequence change replaces alanine, which is neutral and non-polar, with serine, which is neutral and polar, at codon 69 of the EFTUD2 protein (p.Ala69Ser).